The following is an entry in ClinVar:

ClinVar aggregate classification (germline): Uncertain significance (1 of 4 stars; one submission).

Submission:

GeneDx
Classification: Uncertain significance. Last evaluated: 2022-12-16. Review status: criteria provided, single submitter. Criteria: GeneDx Variant Classification Process June 2021. Collection method: clinical testing. Allele origin: germline. Affected: yes.
Comment: Not observed at significant frequency in large population cohorts (gnomAD); In silico analysis supports that this missense variant does not alter protein structure/function; Has not been previously published as pathogenic or benign to our knowledge

NM_001348716.2(KDM6B):c.182C>T (p.Pro61Leu)

Gene: KDM6B (lysine demethylase 6B; plus strand). Cytogenetic location: 17p13.1.
Variant type: single nucleotide variant.
Coding change: c.182C>T on transcript NM_001348716.2 (MANE Select); coding-DNA position 182, C replaced by T.
Protein change: p.Pro61Leu; replaces proline 61 with leucine.
Molecular consequence: missense variant.
Genome position (GRCh38, 1-based): chr17:7,845,916, C>T. VCF-style: chr17-7845916-C-T. GRCh37 (hg19) VCF-style: chr17-7749234-C-T.
Other names: c.182C>T, p.Pro61Leu (NM_001080424.2); short protein forms P61L.
Identifiers: ClinVar variation 2505863 (VCV002505863.1), dbSNP rs1472409768, ClinGen allele CA397910588.
Genomic context (GRCh38, chr17:7,845,916, plus strand): 5'-CTCCTTCTCTCTCCAGATGCTCAGCCAGCATTGGGCAGCCCCCGCTTCCTGCTCCCCTAC[C>T]CCCTTCACATGGCAGTAGTTCTGGGCACCCCAGCAAACCATATTATGCTCCAGGGTGAGT-3'
Protein context (NP_001335645.1, residues 51-71): IGQPPLPAPL[Pro61Leu]PSHGSSSGHP